The following is an entry in ClinVar:

ClinVar aggregate classification (germline): Uncertain significance (1 of 4 stars; one submission).

Allele frequency attached by ClinVar (database versions not stated): TOPMed below 0.00001; gnomAD exomes 0.00001; ExAC 0.00002.
gnomAD v4.1: 16 of 1,614,060 alleles (0.00099%); highest among the groups gnomAD compares: South Asian, 0.0033%; no homozygotes.

Submission:

Women's Health and Genetics/Laboratory Corporation of America, LabCorp
Classification: Uncertain significance. Last evaluated: 2024-04-26. Review status: criteria provided, single submitter. Criteria: LabCorp Variant Classification Summary - May 2015. Collection method: clinical testing. Allele origin: germline.
Comment: Variant summary: NALCN c.515+6C>T alters a non-conserved nucleotide located close to a canonical splice site and therefore could affect mRNA splicing, leading to a significantly altered protein sequence. Consensus agreement among computation tools predict no significant impact on normal splicing. However, these predictions have yet to be confirmed by functional studies. The variant allele was found at a frequency of 2.4e-05 in 251186 control chromosomes. The available data on variant occurrences in the general population are insufficient to allow any conclusion about variant significance. To our knowledge, no occurrence of c.515+6C>T in individuals affected with Congenital Contractures Of The Limbs And Face, Hypotonia, And Developmental Delay and no experimental evidence demonstrating its impact on protein function have been reported. No submitters have cited clinical-significance assessments for this variant to ClinVar. Based on the evidence outlined above, the variant was classified as uncertain significance.

NM_052867.4(NALCN):c.515+6C>T

Gene: NALCN (sodium leak channel, non-selective; minus strand). Cytogenetic location: 13q33.1.
Variant type: single nucleotide variant.
Coding change: c.515+6C>T on transcript NM_052867.4 (MANE Select); 6 bases into the intron after coding-DNA position 515, C replaced by T.
Molecular consequence: intron variant.
Genome position (GRCh38, 1-based): chr13:101,376,911, G>A on the plus strand (C>T on the coding strand, the complement: NALCN is on the minus strand). VCF-style: chr13-101376911-G-A. GRCh37 (hg19) VCF-style: chr13-102029262-G-A.
Other names: c.515+6C>T (NM_001350751.2, NM_001350749.2, NM_001350750.2 and 1 more transcripts).
Identifiers: ClinVar variation 3251654 (VCV003251654.1), dbSNP rs748588294.